The following is an entry in ClinVar:

ClinVar aggregate classification (germline): Uncertain significance (1 of 4 stars; one submission).

Submission:

Ambry Genetics
Classification: Uncertain significance. Last evaluated: 2025-10-07. Review status: criteria provided, single submitter. Criteria: Ambry Variant Classification Scheme 2023. Collection method: clinical testing. Allele origin: germline.
Comment: The c.1204G>T (p.D402Y) alteration is located in exon 10 (coding exon 10) of the CHRNA7 gene. This alteration results from a G to T substitution at nucleotide position 1204, causing the aspartic acid (D) at amino acid position 402 to be replaced by a tyrosine (Y). Based on data from gnomAD, the T allele has an overall frequency of 0.002% (3/152390) total alleles studied. The highest observed frequency was 0.004% (1/25624) of Latino alleles. Based on insufficient or conflicting evidence, the clinical significance of this alteration remains unclear.

NM_000746.6(CHRNA7):c.1204G>T (p.Asp402Tyr)

Gene: CHRNA7 (cholinergic receptor nicotinic alpha 7 subunit). Cytogenetic location: 15q13.3.
Variant type: single nucleotide variant.
Coding change: c.1204G>T on transcript NM_000746.6 (MANE Select); coding-DNA position 1204, G replaced by T.
Protein change: p.Asp402Tyr; replaces aspartic acid 402 with tyrosine.
Molecular consequence: missense variant. On other transcripts: non-coding transcript variant (1).
Genome position (GRCh38, 1-based): chr15:32,168,153, G>T. VCF-style: chr15-32168153-G-T. GRCh37 (hg19) VCF-style: chr15-32460354-G-T.
Other names: c.1291G>T, p.Asp431Tyr (NM_001190455.3); short protein forms D431Y, D402Y.
Identifiers: ClinVar variation 4653592 (VCV004653592.1).